The following is an entry in ClinVar:

NM_016580.4(PCDH12):c.2222G>A (p.Arg741Gln)

Genes: PCDH12 (protocadherin 12; minus strand), RNF14 (ring finger protein 14; plus strand). Cytogenetic location: 5q31.3.
Variant type: single nucleotide variant.
Coding change: c.2222G>A on transcript NM_016580.4 (MANE Select); coding-DNA position 2222, G replaced by A.
Protein change: p.Arg741Gln; replaces arginine 741 with glutamine.
Molecular consequence: missense variant.
Genome position (GRCh38, 1-based): chr5:141,955,630, C>T on the plus strand (G>A on the coding strand, the complement: PCDH12 is on the minus strand). VCF-style: chr5-141955630-C-T. GRCh37 (hg19) VCF-style: chr5-141335195-C-T.
Other names: short protein forms R741Q.
Identifiers: ClinVar variation 1468718 (VCV001468718.3), dbSNP rs199588569, ClinGen allele CA3484254.
Genomic context (GRCh38, chr5:141,955,630, plus strand): 5'-TGGCGGTAGGTGGACTCGGCCTCCCGACAGTTGTAGGCCCTGTTGTCCTTCTTTTCTGTC[C>T]GGCAGATGGACATGAACAAAGCCAGGATCAACCCGAAGATGCCCAACAGTACAGCCAGGC-3'
Protein context (NP_057664.1, residues 731-751): LILALFMSIC[Arg741Gln]TEKKDNRAYN

ClinVar aggregate classification (germline): Uncertain significance (1 of 4 stars; one submission).

Allele frequency attached by ClinVar (database versions not stated): TOPMed 0.00001; gnomAD exomes 0.00002 and 0.00004; gnomAD 0.00003; ExAC 0.00004.
gnomAD v4.1: 38 of 1,613,988 alleles (0.0024%); highest among the groups gnomAD compares: East Asian, 0.02%; no homozygotes.

Submission:

Labcorp Genetics (formerly Invitae), Labcorp
Classification: Uncertain significance. Last evaluated: 2022-09-26. Review status: criteria provided, single submitter. Criteria: Invitae Variant Classification Sherloc (09022015). Collection method: clinical testing. Allele origin: germline.
Comment: This sequence change replaces arginine, which is basic and polar, with glutamine, which is neutral and polar, at codon 741 of the PCDH12 protein (p.Arg741Gln). This variant is present in population databases (rs199588569, gnomAD 0.01%). This variant has not been reported in the literature in individuals affected with PCDH12-related conditions. ClinVar contains an entry for this variant (Variation ID: 1468718). Advanced modeling of protein sequence and biophysical properties (such as structural, functional, and spatial information, amino acid conservation, physicochemical variation, residue mobility, and thermodynamic stability) performed at Invitae indicates that this missense variant is not expected to disrupt PCDH12 protein function. Algorithms developed to predict the effect of sequence changes on RNA splicing suggest that this variant may create or strengthen a splice site. In summary, the available evidence is currently insufficient to determine the role of this variant in disease. Therefore, it has been classified as a Variant of Uncertain Significance.